The following is an entry in ClinVar:

ClinVar aggregate classification (germline): Pathogenic (1 of 4 stars; one submission).

Submission:

GeneDx
Classification: Pathogenic. Last evaluated: 2025-11-07. Review status: criteria provided, single submitter. Criteria: GeneDx Variant Classification Process June 2021. Collection method: clinical testing. Allele origin: germline. Affected: yes.
Comment: Frameshift variant predicted to result in protein truncation or nonsense mediated decay in a gene for which loss of function is a known mechanism of disease; Not observed at significant frequency in large population cohorts (gnomAD); Has not been previously published as pathogenic or benign to our knowledge

NM_000088.4(COL1A1):c.2810del (p.Pro937fs)

Gene: COL1A1 (collagen type I alpha 1 chain; minus strand). Cytogenetic location: 17q21.33.
Variant type: Deletion.
Coding change: c.2810del on transcript NM_000088.4 (MANE Select); coding-DNA position 2810, one base deleted (C; older notation c.2810delC).
Protein change: p.Pro937fs; shifts the reading frame from proline 937.
Molecular consequence: frameshift variant.
Genome position (GRCh38, 1-based): chr17:50,189,396, G deleted on the plus strand (C on the coding strand, the reverse complement: COL1A1 is on the minus strand); the first of 4 consecutive G bases (chr17:50,189,396-50,189,399); deleting any one gives the same sequence. VCF-style (leftmost placement, unchanged base first): chr17-50189395-AG-A. GRCh37 (hg19) VCF-style: chr17-48266756-AG-A.
Other names: short protein forms P937fs.
Identifiers: ClinVar variation 1217131 (VCV001217131.4), dbSNP rs2144549885, ClinGen allele CA2499224720.